The following is an entry in ClinVar:

NM_015937.6(PIGT):c.608_609del (p.Val203fs)

Gene: PIGT (phosphatidylinositol glycan anchor biosynthesis class T; plus strand). Cytogenetic location: 20q13.12.
Variant type: Microsatellite.
Coding change: c.608_609del on transcript NM_015937.6 (MANE Select); coding-DNA positions 608 to 609, 2 bases deleted (TG; older notation c.608_609delTG).
Protein change: p.Val203fs; shifts the reading frame from valine 203.
Molecular consequence: frameshift variant. On other transcripts: non-coding transcript variant (5).
Genome position (GRCh38, 1-based): chr20:45,419,517-45,419,518, TG deleted; deleting any 2 consecutive bases within chr20:45,419,515-45,419,518 gives the same sequence; the c. name uses the placement nearest the transcript's 3' end. VCF-style (leftmost placement, unchanged base first): chr20-45419514-CTG-C. GRCh37 (hg19) VCF-style: chr20-44048154-CTG-C.
Other names: c.440_441del, p.Val147fs (NM_001184728.3); c.608_609del, p.Val203fs (NM_001184729.3); c.302_303del, p.Val101fs (NM_001184730.3); c.608_609delTG (NM_015937.5); c.608_609del (NM_015937.5); short protein forms V101fs, V147fs, V203fs.
Identifiers: ClinVar variation 452443 (VCV000452443.7), dbSNP rs777937565, ClinGen allele CA9877979.

ClinVar aggregate classification (germline): Pathogenic. Review status: criteria provided, multiple submitters, no conflicts (2 of 4 stars). 2 submissions from 2 submitters: Pathogenic (2). Last evaluated 2023-09-27.

Conditions:
Inborn genetic diseases. Identifiers: MedGen C0950123, MeSH D030342.

Submissions (2):

GeneDx
Classification: Pathogenic. Last evaluated: 2023-09-27. Review status: criteria provided, single submitter. Criteria: GeneDx Variant Classification Process June 2021. Collection method: clinical testing. Allele origin: germline. Affected: yes.
Comment: Frameshift variant predicted to result in protein truncation or nonsense mediated decay in a gene for which loss of function is a known mechanism of disease; Not observed at significant frequency in large population cohorts (gnomAD); Has not been previously reported in association with a PIGT-related disorder to our knowledge; This variant is associated with the following publications: (PMID: 33726816)

Ambry Genetics
Classification: Pathogenic for Inborn genetic diseases. Last evaluated: 2020-05-21. Review status: criteria provided, single submitter. Criteria: Ambry Variant Classification Scheme 2023. Collection method: clinical testing. Allele origin: germline.
Comment: The alteration results in premature protein truncation:_x000D_ _x000D_ The c.608_609delTG (p.V203Afs*30) alteration, located in coding exon 5 of the PIGT gene, results from the deletion of 2 nucleotides at positions 608 to 609, causing a translational frameshift with a predicted alternate stop codon after 30 amino acids. Frameshift alterations are typically deleterious in nature (Richards, 2015). Based on the available evidence, this alteration is classified as pathogenic.